The following is an entry in ClinVar:

ClinVar aggregate classification (germline): Pathogenic/Likely pathogenic. Review status: criteria provided, multiple submitters, no conflicts (2 of 4 stars). 10 submissions from 10 submitters: Pathogenic (6); Likely pathogenic (2). 2 of the submissions do not count toward it. Last evaluated 2026-08-27.

Conditions:
Fanconi anemia (FA). Also called: Fanconi's anemia. Identifiers: Orphanet 84, MedGen C0015625, MeSH D005199, MONDO:0019391.
Fanconi anemia complementation group A (FANCA). Also called: FANCA-Related Fanconi Anemia; Fanconi anemia, group A. Identifiers: Orphanet 84, MedGen C3469521, MONDO:0009215, OMIM 227650.
FANCA-related disorder. Also called: FANCA-related condition.

Submissions (10):

GeneDx
Classification: Pathogenic. Last evaluated: 2026-08-27. Review status: criteria provided, single submitter. Criteria: GeneDx Variant Classification Process June 2021. Collection method: clinical testing. Allele origin: germline.
Comment: Observed in apparent homozygous state or with a second FANCA variant in patients with Fanconi anemia in the literature, and not observed in homozygous state in controls (PMID: 10094191, 29098742); Canonical splice site variant predicted to result in a null allele in a gene for which loss of function is a known mechanism of disease; This variant is associated with the following publications: (PMID: 37865086, 29098742, 10094191)

Labcorp Genetics (formerly Invitae), Labcorp
Classification: Pathogenic for Fanconi anemia. Last evaluated: 2025-09-02. Review status: criteria provided, single submitter. Criteria: Invitae Variant Classification Sherloc (09022015). Collection method: clinical testing. Allele origin: germline.
Comment: This sequence change affects a donor splice site in intron 40 of the FANCA gene. It is expected to disrupt RNA splicing. Variants that disrupt the donor or acceptor splice site typically lead to a loss of protein function (PMID: 16199547), and loss-of-function variants in FANCA are known to be pathogenic (PMID: 19367192). This variant is present in population databases (rs752457319, gnomAD 0.005%). Disruption of this splice site has been observed in individual(s) with Fanconi anemia (PMID: 10094191, 37865086). In at least one individual the data is consistent with being in trans (on the opposite chromosome) from a pathogenic variant. This variant is also known as IVS40+1-18del. ClinVar contains an entry for this variant (Variation ID: 582405). For these reasons, this variant has been classified as Pathogenic.

Natera, Inc.
Classification: Pathogenic for Fanconi anemia. Last evaluated: 2025-02-21. Review status: criteria provided, single submitter. Criteria: Natera Variant Classification Schema (03/2026). Collection method: clinical testing. Allele origin: germline.
Comment: The c.4010+1_4010+18delGTACCTCCACCCACAGGG variant in FANCA is a canonical splice donor site variant predicted to affect pre-mRNA splicing, which may result in an abnormal transcript and altered protein product. This variant is expected to result in nonsense mediated decay, truncation, or a dysfunctional protein product. This variant is rare in the general population with a frequency below the threshold expected for the associated phenotype(s). This variant has been observed in one or more individuals affected with the associated recessive disease, as either homozygous or compound heterozygous with a second variant (PMID: 10094191, 29098742). Another variant at this same site results in an alteration predicted to cause a similar molecular effect has been observed in individual(s) with the associated phenotype. Given the available evidence, this variant is classified as Pathogenic.

Baylor Genetics
Classification: Pathogenic for Fanconi anemia complementation group A. Last evaluated: 2024-02-27. Review status: criteria provided, single submitter. Criteria: ACMG Guidelines, 2015. Collection method: clinical testing. Allele origin: unknown.

CeGaT Center for Human Genetics Tuebingen
Classification: Pathogenic. Last evaluated: 2024-01-01. Review status: criteria provided, single submitter. Criteria: CeGaT Center For Human Genetics Tuebingen Variant Classification Criteria Version 2. Collection method: clinical testing. Allele origin: germline. Affected: yes. Observed: 1 variant allele.
Comment: FANCA: PVS1, PM2, PM3

Broad Center for Mendelian Genomics, Broad Institute of MIT and Harvard
Classification: Pathogenic for Fanconi anemia complementation group A. Last evaluated: 2023-05-02. Review status: criteria provided, single submitter. Criteria: ACMG Guidelines, 2015. Collection method: curation. Allele origin: germline. Inheritance: Autosomal recessive inheritance.
Comment: The phenotype of this individual heterozygous for this variant is highly specific for Fanconi anemia based on the abnormal diepoxybutane (DEB) chromosomal instability test, consistent with Fanconi anemia (PMID: 25827349). Trio exome analysis revealed that this variant was in trans with a pathogenic variant (ClinVar Variation ID: 554309). The c.4010+1_4010+18del variant in FANCA has been previously reported in one individual with Fanconi anemia complementation group A (PMID 10094191) but has been identified in 3/61478 (0.004880%) of non-Finnish European chromosomes by the Genome Aggregation Database (gnomAD; dbSNP ID: rs978377623). Although this variant has been seen in the general population in a heterozygous state, its frequency is low enough to be consistent with a recessive carrier frequency. This variant has also been reported in ClinVar (Variation ID: 582405) and has been interpreted as pathogenic by the Leiden Open Variant Database and as likely pathogenic by Invitae and the University Hospital TU Dresden Institute for Clinical Genetics. This variant is located in the 5' splice region. Computational tools predict a splicing impact, though this information is not predictive enough to determine pathogenicity. Loss of function of the FANCA gene is an established disease mechanism in autosomal recessive Fanconi anemia complementation group A. In summary, this variant meets criteria to be classified as pathogenic for autosomal recessive Fanconi anemia complementation group A. ACMG/AMP Criteria applied: PVS1, PM2_Supporting, PM3, PP4 (Richards 2015).

Institute for Clinical Genetics, University Hospital TU Dresden, University Hospital TU Dresden
Classification: Likely pathogenic. Last evaluated: 2021-11-03. Review status: criteria provided, single submitter. Criteria: ACMG Guidelines, 2015. Collection method: clinical testing. Allele origin: germline.

Fulgent Genetics
Classification: Likely pathogenic for Fanconi anemia complementation group A. Last evaluated: 2021-09-05. Review status: criteria provided, single submitter. Criteria: ACMG Guidelines, 2015. Collection method: clinical testing. Allele origin: unknown.

PreventionGenetics, part of Exact Sciences
Classification: Pathogenic for FANCA-related condition. Last evaluated: 2023-11-13. Review status: no assertion criteria provided. Collection method: clinical testing. Allele origin: germline. Not counted in ClinVar's aggregate classification.
Comment: The FANCA c.4010+1_4010+18del18 variant is predicted to result in a deletion affecting a canonical splice site. This variant has been reported in the homozygous state in an individual with Fanconi anemia (reported as IVS40+1–18del, Wijker et al. 1999. PubMed ID: 10094191). This variant is reported in 0.0049% of alleles in individuals of European (Non-Finnish) descent in gnomAD. This variant is interpreted as pathogenic.

Leiden Open Variation Database
Classification: Pathogenic for Fanconi anemia complementation group A. Last evaluated: 2020-02-28. Review status: no assertion criteria provided. Collection method: curation. Allele origin: germline. Affected: yes. Not counted in ClinVar's aggregate classification.
Comment: Curator: Arleen D. Auerbach. Submitter to LOVD: Arleen D. Auerbach.

Literature cited by the submitters: PubMed 16199547 (cited by Labcorp Genetics (formerly Invitae), Labcorp); PubMed 19367192 (cited by Labcorp Genetics (formerly Invitae), Labcorp); PubMed 10094191 (cited by 3 submitters); PubMed 37865086 (cited by Labcorp Genetics (formerly Invitae), Labcorp); PubMed 29098742 (cited by Natera, Inc.).

NM_000135.4(FANCA):c.4010+1_4010+18del

Genes: FANCA (FA complementation group A; minus strand), ZNF276 (zinc finger protein 276; plus strand). Cytogenetic location: 16q24.3.
Variant type: Deletion.
Coding change: c.4010+1_4010+18del on transcript NM_000135.4 (MANE Select); the canonical splice donor site of the intron after coding-DNA position 4010 through 18 bases into the intron after coding-DNA position 4010, 18 bases deleted (GTACCTCCACCCACAGGG).
Molecular consequence: splice donor variant. On other transcripts: 3 prime UTR variant (2), non-coding transcript variant (4).
Genome position (GRCh38, 1-based): chr16:89,739,460-89,739,477, CCCTGTGGGTGGAGGTAC deleted on the plus strand (GTACCTCCACCCACAGGG on the coding strand, the reverse complement: FANCA is on the minus strand); deleting any 18 consecutive bases within chr16:89,739,460-89,739,478 gives the same sequence; the c. name uses the placement nearest the transcript's 3' end. VCF-style (leftmost placement, unchanged base first): chr16-89739459-GCCCTGTGGGTGGAGGTAC-G. GRCh37 (hg19) VCF-style: chr16-89805867-GCCCTGTGGGTGGAGGTAC-G.
Other names: c.4010+1_4010+18delGTACCTCCACCCACAGGG (NM_000135.3); c.*1215_*1232del (NM_001113525.2, NM_152287.4); c.4010+1_4010+18del (NM_001286167.3); c.4010+1_4010+18del18 (NM_000135.2).
Identifiers: ClinVar variation 582405 (VCV000582405.43), dbSNP rs752457319, ClinGen allele CA8250840.